The following is an entry in ClinVar:

NM_001142966.3(GREB1L):c.983G>A (p.Arg328Gln)

Genes: GREB1L (GREB1 like retinoic acid receptor coactivator; plus strand), GREB1L-AS1 (GREB1L antisense RNA 1; minus strand). Cytogenetic location: 18q11.1.
Variant type: single nucleotide variant.
Coding change: c.983G>A on transcript NM_001142966.3 (MANE Select); coding-DNA position 983, G replaced by A.
Protein change: p.Arg328Gln; replaces arginine 328 with glutamine.
Molecular consequence: missense variant.
Genome position (GRCh38, 1-based): chr18:21,440,302, G>A. VCF-style: chr18-21440302-G-A. GRCh37 (hg19) VCF-style: chr18-19020263-G-A.
Other names: c.983G>A (NM_001142966.1); short protein forms R328Q.
Identifiers: ClinVar variation 453285 (VCV000453285.2), dbSNP rs1311814599, ClinGen allele CA401798988.
Genomic context (GRCh38, chr18:21,440,302, plus strand): 5'-TTTTTTTGTTTTTTTGTTTGTCTTCAGCTACCATGTTCATTTCTGGGCCACCAAAGAAAC[G>A]ACACCGGGGATGGTATCCTGGGTCACCTCTCCCCCAACCTGGCTTAGTTGTACCTGTCCC-3'
Protein context (NP_001136438.1, residues 318-338): TMFISGPPKK[Arg328Gln]HRGWYPGSPL

ClinVar aggregate classification (germline): Uncertain significance. Review status: criteria provided, single submitter (1 of 4 stars). 2 submissions from 2 submitters: Uncertain significance (1). 1 of the submissions does not count toward it. Last evaluated 2024-07-25.

Conditions:
Renal hypodysplasia/aplasia 3 (RHDA3). Identifiers: MedGen C4540497, MONDO:0024520, OMIM 617805.

Allele frequency attached by ClinVar (database versions not stated): gnomAD exomes below 0.00001; gnomAD 0.00001; TOPMed 0.00001.
gnomAD v4.1: 5 of 1,551,374 alleles (0.00032%); highest among the groups gnomAD compares: African/African-American, 0.0027%; no homozygotes.

Submissions (2):

GeneDx
Classification: Uncertain significance. Last evaluated: 2024-07-25. Review status: criteria provided, single submitter. Criteria: GeneDx Variant Classification Process June 2021. Collection method: clinical testing. Allele origin: germline. Affected: yes.
Comment: Not observed at significant frequency in large population cohorts (gnomAD); In silico analysis supports that this missense variant has a deleterious effect on protein structure/function; This variant is associated with the following publications: (PMID: 32585897, 37124138, 32598191, 29100091)

OMIM
Classification: Pathogenic for RENAL HYPODYSPLASIA/APLASIA 3. Last evaluated: 2017-12-18. Review status: no assertion criteria provided. Collection method: literature only. Allele origin: germline. Not counted in ClinVar's aggregate classification.

Literature cited by the submitters: PubMed 29100091 (cited by OMIM).